The following is an entry in ClinVar:

NM_002775.5(HTRA1):c.743A>G (p.Lys248Arg)

Gene: HTRA1 (HtrA serine peptidase 1; plus strand). Cytogenetic location: 10q26.13.
Variant type: single nucleotide variant.
Coding change: c.743A>G on transcript NM_002775.5 (MANE Select); coding-DNA position 743, A replaced by G.
Protein change: p.Lys248Arg; replaces lysine 248 with arginine.
Molecular consequence: missense variant.
Genome position (GRCh38, 1-based): chr10:122,489,592, A>G. VCF-style: chr10-122489592-A-G. GRCh37 (hg19) VCF-style: chr10-124249108-A-G.
Other names: short protein forms K248R.
Identifiers: ClinVar variation 1394345 (VCV001394345.6), dbSNP rs970437537, ClinGen allele CA378581499.
Genomic context (GRCh38, chr10:122,489,592, plus strand): 5'-TCAAAGTTGAGCTGAAGAACGGTGCCACTTACGAAGCCAAAATCAAGGATGTGGATGAGA[A>G]AGCAGACATCGCACTCATCAAAATTGACCACCAGGTAAGGGTGTTCTCGCCTGCAGAGGT-3'
Protein context (NP_002766.1, residues 238-258): YEAKIKDVDE[Lys248Arg]ADIALIKIDH

ClinVar aggregate classification (germline): Uncertain significance (1 of 4 stars; one submission).

Submission:

Labcorp Genetics (formerly Invitae), Labcorp
Classification: Uncertain significance. Last evaluated: 2022-07-19. Review status: criteria provided, single submitter. Criteria: Invitae Variant Classification Sherloc (09022015). Collection method: clinical testing. Allele origin: germline.
Comment: In summary, the available evidence is currently insufficient to determine the role of this variant in disease. Therefore, it has been classified as a Variant of Uncertain Significance. Algorithms developed to predict the effect of missense changes on protein structure and function (SIFT, PolyPhen-2, Align-GVGD) all suggest that this variant is likely to be tolerated. ClinVar contains an entry for this variant (Variation ID: 1394345). This variant has not been reported in the literature in individuals affected with HTRA1-related conditions. This variant is not present in population databases (gnomAD no frequency). This sequence change replaces lysine, which is basic and polar, with arginine, which is basic and polar, at codon 248 of the HTRA1 protein (p.Lys248Arg).